The following is an entry in ClinVar:

ClinVar aggregate classification (germline): Pathogenic. Review status: criteria provided, multiple submitters, no conflicts (2 of 4 stars). 6 submissions from 6 submitters: Pathogenic (5). 1 of the submissions does not count toward it. Last evaluated 2024-10-16.

Conditions:
Hyperthyroidism. Identifiers: MedGen C0020550, MONDO:0004425, HP:0000836.
THRB-related disorder. Also called: THRB-related condition.
Thyroid hormone resistance, generalized, autosomal dominant (GRTHD). Also called: HYPERTHYROXINEMIA, FAMILIAL EUTHYROID, SECONDARY TO PITUITARY AND PERIPHERAL RESISTANCE TO THYROID HORMONES. Identifiers: MedGen C2937288, MONDO:0008569, OMIM 188570.

Submissions (6):

Cambridge Genomics Laboratory, East Genomic Laboratory Hub, NHS Genomic Medicine Service
Classification: Pathogenic for Hyperthyroidism. Last evaluated: 2024-10-16. Review status: criteria provided, single submitter. Criteria: ACGS Best Practice Guidelines for Variant Classification in Rare Disease 2020. Collection method: clinical testing. Allele origin: germline. Affected: yes.
Comment: PS3_Supporting,PS4,PM2,PM5,PP1_Strong,PP3,PP4

GeneDx
Classification: Pathogenic. Last evaluated: 2023-10-02. Review status: criteria provided, single submitter. Criteria: GeneDx Variant Classification Process June 2021. Collection method: clinical testing. Allele origin: germline. Affected: yes.
Comment: Published functional studies demonstrate a damaging effect with a significantly reduced binding affinity (Adams et al., 1994); Not observed at significant frequency in large population cohorts (gnomAD); In silico analysis supports that this missense variant has a deleterious effect on protein structure/function; This variant is associated with the following publications: (PMID: 27743306, 8040303, 26041374, 21622532, 7833659, 30430796)

Blueprint Genetics
Classification: Pathogenic for THRB-related disorders. Last evaluated: 2023-09-07. Review status: criteria provided, single submitter. Criteria: ACMG Guidelines, 2015. Collection method: clinical testing. Allele origin: germline. Affected: yes. Observed: 2 variant alleles.

Women's Health and Genetics/Laboratory Corporation of America, LabCorp
Classification: Pathogenic for Thyroid hormone resistance, generalized, autosomal dominant. Last evaluated: 2023-04-05. Review status: criteria provided, single submitter. Criteria: LabCorp Variant Classification Summary - May 2015. Collection method: clinical testing. Allele origin: germline.
Comment: Variant summary: THRB c.1357C>T (p.Pro453Ser) results in a non-conservative amino acid change located in the Nuclear hormone receptor, ligand-binding domain (IPR000536) of the encoded protein sequence. Five of five in-silico tools predict a damaging effect of the variant on protein function. The variant was absent in 251490 control chromosomes (gnomAD). c.1357C>T has been reported in the literature in multiple individuals affected with Resistance to thyroid hormone/Reduced sensitivity to thyroid hormone/generalized growth disorder (example: Refetoff_1994, Adams_1994, Han_2015, and Kannan_2017) and at least one individual was reported as a de novo occurrence (Zaig_2018). These data indicate that the variant is very likely to be associated with disease. At least one publication reports experimental evidence that the variant impairs normal protein function (example: Lee_2011). One clinical diagnostic laboratory has submitted clinical-significance assessments for this variant to ClinVar after 2014 and classified the variant as pathogenic. Based on the evidence outlined above, the variant was classified as pathogenic.

Quest Diagnostics Nichols Institute San Juan Capistrano
Classification: Pathogenic. Last evaluated: 2022-10-17. Review status: criteria provided, single submitter. Criteria: Quest Diagnostics criteria. Collection method: clinical testing. Allele origin: unknown.
Comment: The frequency of this variant in the general population, 0.000032 (1/31396 chromosomes), is uninformative in assessment of its pathogenicity. In the published literature, the variant has been reported in individuals and families affected with resistance to thyroid hormone (RTH) (PMIDs: 8040303 (1994), 26041374 (2015), 27743306 (2017), and 30430796 (2018)). Functional studies suggest the variant is damaging to proper protein function (PMID: 21622532 (2011)). Analysis of this variant using bioinformatics tools for the prediction of the effect of amino acid changes on protein structure and function yielded predictions that this variant is damaging. Based on the available information, this variant is classified as pathogenic.

Clinical Molecular Genetics Laboratory, Johns Hopkins All Children's Hospital
Classification: Pathogenic for Thyroid hormone resistance, generalized, autosomal dominant. Last evaluated: 2013-11-05. Review status: no assertion criteria provided. Collection method: clinical testing. Allele origin: germline. Affected: yes. Not counted in ClinVar's aggregate classification.

Literature cited by the submitters: PubMed 8040303 (cited by Women's Health and Genetics/Laboratory Corporation of America, LabCorp and Quest Diagnostics Nichols Institute San Juan Capistrano); PubMed 26041374 (cited by Women's Health and Genetics/Laboratory Corporation of America, LabCorp and Quest Diagnostics Nichols Institute San Juan Capistrano); PubMed 27743306 (cited by Women's Health and Genetics/Laboratory Corporation of America, LabCorp and Quest Diagnostics Nichols Institute San Juan Capistrano); PubMed 21622532 (cited by Women's Health and Genetics/Laboratory Corporation of America, LabCorp and Quest Diagnostics Nichols Institute San Juan Capistrano); PubMed 7833659 (cited by Women's Health and Genetics/Laboratory Corporation of America, LabCorp and Quest Diagnostics Nichols Institute San Juan Capistrano); PubMed 30430796 (cited by Quest Diagnostics Nichols Institute San Juan Capistrano); PubMed 23633200 (cited by Quest Diagnostics Nichols Institute San Juan Capistrano).

NM_001354712.2(THRB):c.1357C>T (p.Pro453Ser)

Gene: THRB (thyroid hormone receptor beta; minus strand). Cytogenetic location: 3p24.2.
Variant type: single nucleotide variant.
Coding change: c.1357C>T on transcript NM_001354712.2 (MANE Select); coding-DNA position 1357, C replaced by T.
Protein change: p.Pro453Ser; replaces proline 453 with serine.
Molecular consequence: missense variant.
Genome position (GRCh38, 1-based): chr3:24,122,913, G>A on the plus strand (C>T on the coding strand, the complement: THRB is on the minus strand). VCF-style: chr3-24122913-G-A. GRCh37 (hg19) VCF-style: chr3-24164404-G-A.
Other names: c.1357C>T, p.Pro453Ser (NM_000461.5, NM_001128176.3, NM_001128177.2 and 6 more transcripts); c.1264C>T, p.Pro422Ser (NM_001354714.2, NM_001354715.2); short protein forms P453S, P422S.
Identifiers: ClinVar variation 439310 (VCV000439310.7), dbSNP rs28933408, ClinGen allele CA351886499.
Genomic context (GRCh38, chr3:24,122,913, plus strand): 5'-TGTAGGAATTATGAGAATGAATCCAGTCAGTCTAATCCTCGAACACTTCCAAGAACAAAG[G>A]GGGGAAGAGTTCTGTGGGGCATTCCACCTTCATGTGCAGGAAGCGGCTGGCATGGCAGGC-3'
Protein context (NP_001341641.1, residues 443-461): KVECPTELFP[Pro453Ser]LFLEVFED